The following is an entry in ClinVar:

NM_006757.4(TNNT3):c.689C>T (p.Thr230Met)

Gene: TNNT3 (troponin T3, fast skeletal type; plus strand). Cytogenetic location: 11p15.5.
Variant type: single nucleotide variant.
Coding change: c.689C>T on transcript NM_006757.4 (MANE Select); coding-DNA position 689, C replaced by T.
Protein change: p.Thr230Met; replaces threonine 230 with methionine.
Molecular consequence: missense variant. On other transcripts: intron variant (2).
Genome position (GRCh38, 1-based): chr11:1,936,970, C>T. VCF-style: chr11-1936970-C-T. GRCh37 (hg19) VCF-style: chr11-1958200-C-T.
Other names: c.683C>T, p.Thr228Met (NM_001042781.3, NM_001367842.1); c.665C>T, p.Thr222Met (NM_001042782.3, NM_001297646.2, NM_001367844.1 and 1 more transcripts); c.698C>T, p.Thr233Met (NM_001363561.2, NM_001367847.1); c.722C>T, p.Thr241Met (NM_001367846.1); c.686C>T, p.Thr229Met (NM_001367848.1); c.677C>T, p.Thr226Met (NM_001367849.1); c.632C>T, p.Thr211Met (NM_001367850.1); c.485C>T, p.Thr162Met (NM_001367851.1, NM_001367852.1); and 2 more; short protein forms T222M, T230M, T241M, T226M, T162M, T211M, T228M, T229M.
Identifiers: ClinVar variation 4707296 (VCV004707296.1).

ClinVar aggregate classification (germline): Uncertain significance (1 of 4 stars; one submission).

gnomAD v4.1: 29 of 1,606,334 alleles (0.0018%); highest among the groups gnomAD compares: Admixed American, 0.0051%; no homozygotes.

Submission:

Labcorp Genetics (formerly Invitae), Labcorp
Classification: Uncertain significance. Last evaluated: 2025-09-29. Review status: criteria provided, single submitter. Criteria: Invitae Variant Classification Sherloc (09022015). Collection method: clinical testing. Allele origin: germline.
Comment: This sequence change replaces threonine, which is neutral and polar, with methionine, which is neutral and non-polar, at codon 230 of the TNNT3 protein (p.Thr230Met). This variant is present in population databases (rs540840670, gnomAD 0.006%). This variant has not been reported in the literature in individuals affected with TNNT3-related conditions. An algorithm developed to predict the effect of missense changes on protein structure and function (PolyPhen-2) suggests that this variant is likely to be disruptive. In summary, the available evidence is currently insufficient to determine the role of this variant in disease. Therefore, it has been classified as a Variant of Uncertain Significance.